The following is an entry in ClinVar:

ClinVar aggregate classification (germline): Uncertain significance. Review status: criteria provided, multiple submitters, no conflicts (2 of 4 stars). 2 submissions from 2 submitters: Uncertain significance (2). Last evaluated 2022-01-04.

Allele frequency attached by ClinVar (database versions not stated): gnomAD exomes below 0.00001; TOPMed below 0.00001; ExAC 0.00001.
gnomAD v4.1: 2 of 1,614,004 alleles (0.00012%); highest among the groups gnomAD compares: Non-Finnish European, 0.00017%; no homozygotes.

Submissions (2):

Labcorp Genetics (formerly Invitae), Labcorp
Classification: Uncertain significance. Last evaluated: 2022-01-04. Review status: criteria provided, single submitter. Criteria: Invitae Variant Classification Sherloc (09022015). Collection method: clinical testing. Allele origin: germline.
Comment: This variant has not been reported in the literature in individuals affected with GALNT12-related conditions. This sequence change falls in intron 5 of the GALNT12 gene. It does not directly change the encoded amino acid sequence of the GALNT12 protein. It affects a nucleotide within the consensus splice site. This variant is present in population databases (rs779513131, gnomAD 0.0009%). Variants that disrupt the consensus splice site are a relatively common cause of aberrant splicing (PMID: 17576681, 9536098). Algorithms developed to predict the effect of sequence changes on RNA splicing suggest that this variant is not likely to affect RNA splicing. In summary, the available evidence is currently insufficient to determine the role of this variant in disease. Therefore, it has been classified as a Variant of Uncertain Significance.

Ambry Genetics
Classification: Uncertain significance. Last evaluated: 2021-03-30. Review status: criteria provided, single submitter. Criteria: Ambry Variant Classification Scheme 2023. Collection method: clinical testing. Allele origin: germline.
Comment: The c.1036-3C>T intronic variant results from a C to T substitution 3 nucleotides upstream from coding exon 6 in the GALNT12 gene. This nucleotide position is not well conserved in available vertebrate species. In silico splice site analysis predicts that this alteration will not have any significant effect on splicing. Since supporting evidence is limited at this time, the clinical significance of this alteration remains unclear.

Literature cited by the submitters: PubMed 17576681 (cited by Labcorp Genetics (formerly Invitae), Labcorp); PubMed 9536098 (cited by Labcorp Genetics (formerly Invitae), Labcorp).

NM_024642.5(GALNT12):c.1036-3C>T

Gene: GALNT12 (polypeptide N-acetylgalactosaminyltransferase 12; plus strand). Cytogenetic location: 9q22.33.
Variant type: single nucleotide variant.
Coding change: c.1036-3C>T on transcript NM_024642.5 (MANE Select); 3 bases into the intron before coding-DNA position 1036, C replaced by T.
Molecular consequence: intron variant.
Genome position (GRCh38, 1-based): chr9:98,836,969, C>T. VCF-style: chr9-98836969-C-T. GRCh37 (hg19) VCF-style: chr9-101599251-C-T.
Identifiers: ClinVar variation 1772588 (VCV001772588.7), dbSNP rs779513131, ClinGen allele CA5154160.